The following is an entry in ClinVar:

NM_006080.3(SEMA3A):c.1495-4A>G

Gene: SEMA3A (semaphorin 3A; minus strand). Cytogenetic location: 7q21.11.
Variant type: single nucleotide variant.
Coding change: c.1495-4A>G on transcript NM_006080.3 (MANE Select); 4 bases into the intron before coding-DNA position 1495, A replaced by G.
Molecular consequence: intron variant.
Genome position (GRCh38, 1-based): chr7:83,981,482, T>C on the plus strand (A>G on the coding strand, the complement: SEMA3A is on the minus strand). VCF-style: chr7-83981482-T-C. GRCh37 (hg19) VCF-style: chr7-83610798-T-C.
Identifiers: ClinVar variation 3353859 (VCV003353859.1).
Genomic context (GRCh38, chr7:83,981,482, plus strand): 5'-ACACCGGTGTAAAGGGAGCTGGGCAACCCCAGCCGTTGAACCAATATATAGTTGTTGCTG[T>C]GGAAAGAGTTTACTGCTGTGACAAAAACTATCTTGTCTTTTAAATCTCTTGTTCTCTTAA-3'

ClinVar aggregate classification (germline): Likely benign (0 of 4 stars; one submission).

Conditions:
SEMA3A-related disorder. Also called: SEMA3A-related condition.

gnomAD v4.1: 2 of 1,588,570 alleles (0.00013%); highest among the groups gnomAD compares: Non-Finnish European, 0.00017%; no homozygotes.

Submission:

PreventionGenetics, part of Exact Sciences
Classification: Likely benign for SEMA3A-related condition. Last evaluated: 2022-06-15. Review status: no assertion criteria provided. Collection method: clinical testing. Allele origin: germline.
Comment: This variant is classified as likely benign based on ACMG/AMP sequence variant interpretation guidelines (Richards et al. 2015 PMID: 25741868, with internal and published modifications).